The following is an entry in ClinVar:

ClinVar aggregate classification (germline): Uncertain significance (1 of 4 stars; one submission).

Conditions:
Immunodeficiency 14 (IMD14A). Also called: ACTIVATED PI3K-DELTA SYNDROME 1; IMMUNODEFICIENCY 14A WITH LYMPHOPROLIFERATION, AUTOSOMAL DOMINANT; Activated PI3K Delta Syndrome Type 1 (APDS1); p110-DELTA-ACTIVATING MUTATION CAUSING SENESCENT T CELLS, LYMPHADENOPATHY, AND IMMUNODEFICIENCY. Identifiers: Orphanet 397596, Orphanet 693661, MedGen C5907821, MONDO:0014222, OMIM 615513.

Allele frequency attached by ClinVar (database versions not stated): gnomAD exomes 0.00001 and 0.00002; TOPMed 0.00001; ExAC 0.00002.
gnomAD v4.1: 7 of 1,612,956 alleles (0.00043%); highest among the groups gnomAD compares: Admixed American, 0.0083%; no homozygotes.

Submission:

Labcorp Genetics (formerly Invitae), Labcorp
Classification: Uncertain significance for Activated PI3K-delta syndrome. Last evaluated: 2024-02-24. Review status: criteria provided, single submitter. Criteria: Invitae Variant Classification Sherloc (09022015). Collection method: clinical testing. Allele origin: germline.
Comment: This sequence change falls in intron 16 of the PIK3CD gene. It does not directly change the encoded amino acid sequence of the PIK3CD protein. It affects a nucleotide within the consensus splice site. This variant is present in population databases (rs761254166, gnomAD 0.01%). This variant has not been reported in the literature in individuals affected with PIK3CD-related conditions. ClinVar contains an entry for this variant (Variation ID: 1017021). Variants that disrupt the consensus splice site are a relatively common cause of aberrant splicing (PMID: 17576681, 9536098). Algorithms developed to predict the effect of sequence changes on RNA splicing suggest that this variant may create or strengthen a splice site. In summary, the available evidence is currently insufficient to determine the role of this variant in disease. Therefore, it has been classified as a Variant of Uncertain Significance.

Literature cited by the submitters: PubMed 17576681; PubMed 9536098.

NM_005026.5(PIK3CD):c.2055+4A>G

Gene: PIK3CD (phosphatidylinositol-4,5-bisphosphate 3-kinase catalytic subunit delta; plus strand). Cytogenetic location: 1p36.22.
Variant type: single nucleotide variant.
Coding change: c.2055+4A>G on transcript NM_005026.5 (MANE Select); 4 bases into the intron after coding-DNA position 2055, A replaced by G.
Molecular consequence: intron variant.
Genome position (GRCh38, 1-based): chr1:9,721,864, A>G. VCF-style: chr1-9721864-A-G. GRCh37 (hg19) VCF-style: chr1-9781922-A-G.
Other names: c.2052+4A>G (NM_001350234.2); c.1968+4A>G (NM_001350235.1).
Identifiers: ClinVar variation 1017021 (VCV001017021.7), dbSNP rs761254166, ClinGen allele CA577412.